The following is an entry in ClinVar:

ClinVar aggregate classification (germline): Uncertain significance. Review status: criteria provided, multiple submitters, no conflicts (2 of 4 stars). 2 submissions from 2 submitters: Uncertain significance (2). Last evaluated 2026-07-10.

Conditions:
SCAPER-related disorder. Also called: SCAPER-related condition.

gnomAD v4.1: 57 of 1,612,674 alleles (0.0035%); highest among the groups gnomAD compares: Non-Finnish European, 0.0042%; no homozygotes.

Submissions (2):

PreventionGenetics, part of Exact Sciences
Classification: Uncertain significance for SCAPER-related condition. Last evaluated: 2026-07-10. Review status: criteria provided, single submitter. Criteria: ACMG Guidelines, 2015. Collection method: clinical testing. Allele origin: germline.
Comment: The SCAPER c.533C>T variant is predicted to result in the amino acid substitution p.Pro178Leu. To our knowledge, this variant has not been reported in the literature. This variant is reported in 0.0035% of alleles in individuals of European (Non-Finnish) descent in gnomAD. At this time, the clinical significance of this variant is uncertain due to the absence of conclusive functional and genetic evidence.

Blueprint Genetics
Classification: Uncertain significance. Last evaluated: 2024-03-15. Review status: criteria provided, single submitter. Criteria: ACMG Guidelines, 2015. Collection method: clinical testing. Allele origin: germline.

NM_020843.4(SCAPER):c.533C>T (p.Pro178Leu)

Gene: SCAPER (S-phase cyclin A associated protein in the ER; minus strand). Cytogenetic location: 15q24.3.
Variant type: single nucleotide variant.
Coding change: c.533C>T on transcript NM_020843.4 (MANE Select); coding-DNA position 533, C replaced by T.
Protein change: p.Pro178Leu; replaces proline 178 with leucine.
Molecular consequence: missense variant. On other transcripts: 5 prime UTR variant (1), non-coding transcript variant (1).
Genome position (GRCh38, 1-based): chr15:76,800,326, G>A on the plus strand (C>T on the coding strand, the complement: SCAPER is on the minus strand). VCF-style: chr15-76800326-G-A. GRCh37 (hg19) VCF-style: chr15-77092667-G-A.
Other names: c.-365C>T (NM_001145923.2); c.533C>T, p.Pro178Leu (NM_001353009.2); c.131C>T, p.Pro44Leu (NM_001353010.2, NM_001353011.2, NM_001353012.2); c.533C>T (NM_001353009.1); short protein forms P178L, P44L.
Identifiers: ClinVar variation 4926021 (VCV004926021.2).